The following is an entry in ClinVar:

NM_001605.3(AARS1):c.1936A>G (p.Thr646Ala)

Gene: AARS1 (alanyl-tRNA synthetase 1; minus strand). Cytogenetic location: 16q22.1.
Variant type: single nucleotide variant.
Coding change: c.1936A>G on transcript NM_001605.3 (MANE Select); coding-DNA position 1936, A replaced by G.
Protein change: p.Thr646Ala; replaces threonine 646 with alanine.
Molecular consequence: missense variant.
Genome position (GRCh38, 1-based): chr16:70,259,036, T>C on the plus strand (A>G on the coding strand, the complement: AARS1 is on the minus strand). VCF-style: chr16-70259036-T-C. GRCh37 (hg19) VCF-style: chr16-70292939-T-C.
Other names: short protein forms T646A.
Identifiers: ClinVar variation 1006379 (VCV001006379.9), dbSNP rs763252550, ClinGen allele CA8140632.
Genomic context (GRCh38, chr16:70,259,036, plus strand): 5'-CTACCTTGGCTGCCTCAATCATCTCATTAGCAATCTCTTCAGCCTTCTTGATCTGTTGGG[T>C]GGACATGGCTCCCTTGGCAGTAAAGTCAAATCTGAGGCGGTCAGGAGCAACCAATGAGCC-3'
Protein context (NP_001596.2, residues 636-656): FDFTAKGAMS[Thr646Ala]QQIKKAEEIA

ClinVar aggregate classification (germline): Uncertain significance. Review status: criteria provided, multiple submitters, no conflicts (2 of 4 stars). 2 submissions from 2 submitters: Uncertain significance (2). Last evaluated 2024-09-18.

Conditions:
Charcot-Marie-Tooth disease type 2. Also called: Charcot-Marie-Tooth type 2. Identifiers: Orphanet 64746, MedGen C0270914, MONDO:0018993.

Allele frequency attached by ClinVar (database versions not stated): TOPMed below 0.00001; ExAC 0.00001; gnomAD 0.00001; gnomAD exomes 0.00001 and 0.00002.
gnomAD v4.1: 13 of 1,614,194 alleles (0.00081%); highest among the groups gnomAD compares: Middle Eastern, 0.016%; no homozygotes.

Submissions (2):

Blueprint Genetics
Classification: Uncertain significance. Last evaluated: 2024-09-18. Review status: criteria provided, single submitter. Criteria: ACMG Guidelines, 2015. Collection method: clinical testing. Allele origin: germline.

Labcorp Genetics (formerly Invitae), Labcorp
Classification: Uncertain significance for Charcot-Marie-Tooth disease type 2. Last evaluated: 2024-02-24. Review status: criteria provided, single submitter. Criteria: Invitae Variant Classification Sherloc (09022015). Collection method: clinical testing. Allele origin: germline.
Comment: This sequence change replaces threonine, which is neutral and polar, with alanine, which is neutral and non-polar, at codon 646 of the AARS protein (p.Thr646Ala). This variant is present in population databases (rs763252550, gnomAD 0.003%). This variant has not been reported in the literature in individuals affected with AARS-related conditions. ClinVar contains an entry for this variant (Variation ID: 1006379). Advanced modeling of protein sequence and biophysical properties (such as structural, functional, and spatial information, amino acid conservation, physicochemical variation, residue mobility, and thermodynamic stability) performed at Invitae indicates that this missense variant is not expected to disrupt AARS protein function with a negative predictive value of 95%. In summary, the available evidence is currently insufficient to determine the role of this variant in disease. Therefore, it has been classified as a Variant of Uncertain Significance.